The following is an entry in ClinVar:

ClinVar aggregate classification (germline): Uncertain significance. Review status: criteria provided, multiple submitters, no conflicts (2 of 4 stars). 4 submissions from 4 submitters: Uncertain significance (4). Last evaluated 2026-04-28.

Conditions:
CYP17A1-related disorder. Also called: CYP17A1-related condition.
Inborn genetic diseases. Identifiers: MedGen C0950123, MeSH D030342.
Deficiency of steroid 17-alpha-monooxygenase. Also called: 17-ALPHA-HYDROXYLASE DEFICIENCY; 17-alpha-hydroxylase/17,20-lyase deficiency; Congenital adrenal hyperplasia due to 17-alpha-hydroxylase deficiency; Congenital adrenal hyperplasia type 5; ADRENAL HYPERPLASIA V. Identifiers: Orphanet 90793, MedGen C0268285, MONDO:0008730, OMIM 202110.

Allele frequency attached by ClinVar (database versions not stated): gnomAD exomes 0.00010 and 0.00025; ExAC 0.00012; gnomAD 0.00017 and 0.00018; TOPMed 0.00022; ESP Exome Variant Server 0.00023.
gnomAD v4.1: 382 of 1,606,402 alleles (0.024%); highest among the groups gnomAD compares: Non-Finnish European, 0.029%; no homozygotes.

Submissions (4):

PreventionGenetics, part of Exact Sciences
Classification: Uncertain significance for CYP17A1-related condition. Last evaluated: 2026-04-28. Review status: criteria provided, single submitter. Criteria: ACMG Guidelines, 2015. Collection method: clinical testing. Allele origin: germline.
Comment: The CYP17A1 c.988G>A variant is predicted to result in the amino acid substitution p.Glu330Lys. To our knowledge, this variant has not been reported in the literature. This variant is reported in 0.032% of alleles in individuals of African descent in gnomAD. At this time, the clinical significance of this variant is uncertain due to the absence of conclusive functional and genetic evidence.

Labcorp Genetics (formerly Invitae), Labcorp
Classification: Uncertain significance. Last evaluated: 2024-07-17. Review status: criteria provided, single submitter. Criteria: Invitae Variant Classification Sherloc (09022015). Collection method: clinical testing. Allele origin: germline.
Comment: This sequence change replaces glutamic acid, which is acidic and polar, with lysine, which is basic and polar, at codon 330 of the CYP17A1 protein (p.Glu330Lys). This variant is present in population databases (rs142037395, gnomAD 0.03%). This variant has not been reported in the literature in individuals affected with CYP17A1-related conditions. ClinVar contains an entry for this variant (Variation ID: 877971). An algorithm developed to predict the effect of missense changes on protein structure and function outputs the following: PolyPhen-2: "Benign". The lysine amino acid residue is found in multiple mammalian species, which suggests that this missense change does not adversely affect protein function. In summary, the available evidence is currently insufficient to determine the role of this variant in disease. Therefore, it has been classified as a Variant of Uncertain Significance.

Ambry Genetics
Classification: Uncertain significance for Inborn genetic diseases. Last evaluated: 2021-11-15. Review status: criteria provided, single submitter. Criteria: Ambry Variant Classification Scheme 2023. Collection method: clinical testing. Allele origin: germline.

Illumina Laboratory Services, Illumina
Classification: Uncertain significance for Deficiency of steroid 17-alpha-monooxygenase. Last evaluated: 2017-04-27. Review status: criteria provided, single submitter. Criteria: ICSL Variant Classification Criteria 13 December 2019. Collection method: clinical testing. Allele origin: germline.

NM_000102.4(CYP17A1):c.988G>A (p.Glu330Lys)

Gene: CYP17A1 (cytochrome P450 family 17 subfamily A member 1; minus strand). Cytogenetic location: 10q24.32.
Variant type: single nucleotide variant.
Coding change: c.988G>A on transcript NM_000102.4 (MANE Select); coding-DNA position 988, G replaced by A.
Protein change: p.Glu330Lys; replaces glutamic acid 330 with lysine.
Molecular consequence: missense variant.
Genome position (GRCh38, 1-based): chr10:102,832,662, C>T on the plus strand (G>A on the coding strand, the complement: CYP17A1 is on the minus strand). VCF-style: chr10-102832662-C-T. GRCh37 (hg19) VCF-style: chr10-104592419-C-T.
Other names: short protein forms E330K.
Identifiers: ClinVar variation 877971 (VCV000877971.8), dbSNP rs142037395, ClinGen allele CA5669421.